The following is an entry in ClinVar:

NM_032043.3(BRIP1):c.289A>C (p.Asn97His)

Gene: BRIP1 (BRCA1 interacting DNA helicase 1; minus strand). Cytogenetic location: 17q23.2.
Variant type: single nucleotide variant.
Coding change: c.289A>C on transcript NM_032043.3 (MANE Select); coding-DNA position 289, A replaced by C.
Protein change: p.Asn97His; replaces asparagine 97 with histidine.
Molecular consequence: missense variant.
Genome position (GRCh38, 1-based): chr17:61,857,148, T>G on the plus strand (A>C on the coding strand, the complement: BRIP1 is on the minus strand). VCF-style: chr17-61857148-T-G. GRCh37 (hg19) VCF-style: chr17-59934509-T-G.
Other names: short protein forms N97H.
Identifiers: ClinVar variation 1797383 (VCV001797383.2), dbSNP rs2078908581, ClinGen allele CA400485446.
Genomic context (GRCh38, chr17:61,857,148, plus strand): 5'-CAGAAGGTGGTGTGCTTGGATAGTTGAAATGACGTGAAGTTCCTTGGTTCATGTCATTGT[T>G]TGTAAAATCCTTTGAATGGCATGCACAACAACATGACAATTGTACTTCAGCTTTTTCACT-3'
Protein context (NP_114432.2, residues 87-107): CCACHSKDFT[Asn97His]NDMNQGTSRH

ClinVar aggregate classification (germline): Uncertain significance (1 of 4 stars; one submission).

Conditions:
Hereditary cancer-predisposing syndrome. Also called: Tumor predisposition; Hereditary Cancer Syndrome; Neoplastic Syndromes, Hereditary; Hereditary neoplastic syndrome. Identifiers: Orphanet 140162, MedGen C0027672, MeSH D009386, MONDO:0015356.

Allele frequency attached by ClinVar (database versions not stated): gnomAD exomes below 0.00001.
gnomAD v4.1: 1 of 1,614,122 alleles (0.000062%); highest among the groups gnomAD compares: Non-Finnish European, 0.000085%; no homozygotes.

Submission:

Ambry Genetics
Classification: Uncertain significance for Hereditary cancer-predisposing syndrome. Last evaluated: 2024-01-17. Review status: criteria provided, single submitter. Criteria: Ambry Variant Classification Scheme 2023. Collection method: clinical testing. Allele origin: germline.
Comment: The p.N97H variant (also known as c.289A>C), located in coding exon 3 of the BRIP1 gene, results from an A to C substitution at nucleotide position 289. The asparagine at codon 97 is replaced by histidine, an amino acid with similar properties. This amino acid position is not well conserved in available vertebrate species. In addition, this alteration is predicted to be tolerated by in silico analysis. Since supporting evidence is limited at this time, the clinical significance of this alteration remains unclear.